The following is an entry in ClinVar:

ClinVar aggregate classification (germline): Uncertain significance. Review status: criteria provided, multiple submitters, no conflicts (2 of 4 stars). 2 submissions from 2 submitters: Uncertain significance (2). Last evaluated 2024-10-21.

Allele frequency attached by ClinVar (database versions not stated): gnomAD exomes below 0.00001; TOPMed below 0.00001; gnomAD 0.00001.
gnomAD v4.1: 4 of 1,613,790 alleles (0.00025%); highest among the groups gnomAD compares: Non-Finnish European, 0.00034%; no homozygotes.

Submissions (2):

Women's Health and Genetics/Laboratory Corporation of America, LabCorp
Classification: Uncertain significance. Last evaluated: 2024-10-21. Review status: criteria provided, single submitter. Criteria: LabCorp Variant Classification Summary - May 2015. Collection method: clinical testing. Allele origin: germline.

Labcorp Genetics (formerly Invitae), Labcorp
Classification: Uncertain significance. Last evaluated: 2023-06-04. Review status: criteria provided, single submitter. Criteria: Invitae Variant Classification Sherloc (09022015). Collection method: clinical testing. Allele origin: germline.
Comment: This variant is not present in population databases (gnomAD no frequency). This sequence change replaces glutamic acid, which is acidic and polar, with lysine, which is basic and polar, at codon 222 of the HPS4 protein (p.Glu222Lys). In summary, the available evidence is currently insufficient to determine the role of this variant in disease. Therefore, it has been classified as a Variant of Uncertain Significance. An algorithm developed to predict the effect of missense changes on protein structure and function (PolyPhen-2) suggests that this variant is likely to be tolerated. ClinVar contains an entry for this variant (Variation ID: 1443297). This variant has not been reported in the literature in individuals affected with HPS4-related conditions.

NM_022081.6(HPS4):c.664G>A (p.Glu222Lys)

Gene: HPS4 (HPS4 biogenesis of lysosomal organelles complex 3 subunit 2; minus strand). Cytogenetic location: 22q12.1.
Variant type: single nucleotide variant.
Coding change: c.664G>A on transcript NM_022081.6 (MANE Select); coding-DNA position 664, G replaced by A.
Protein change: p.Glu222Lys; replaces glutamic acid 222 with lysine.
Molecular consequence: missense variant. On other transcripts: non-coding transcript variant (8).
Genome position (GRCh38, 1-based): chr22:26,468,556, C>T on the plus strand (G>A on the coding strand, the complement: HPS4 is on the minus strand). VCF-style: chr22-26468556-C-T. GRCh37 (hg19) VCF-style: chr22-26864522-C-T.
Other names: c.664G>A, p.Glu222Lys (NM_001349896.1, NM_001349898.2, NM_001349899.2 and 6 more transcripts); c.649G>A, p.Glu217Lys (NM_152841.2); short protein forms E222K, E217K.
Identifiers: ClinVar variation 1443297 (VCV001443297.9), dbSNP rs119471025, ClinGen allele CA411030114.